The following is an entry in ClinVar:

NM_020894.4(UVSSA):c.1063G>A (p.Gly355Arg)

Gene: UVSSA (UV stimulated scaffold protein A; plus strand). Cytogenetic location: 4p16.3.
Variant type: single nucleotide variant.
Coding change: c.1063G>A on transcript NM_020894.4 (MANE Select); coding-DNA position 1063, G replaced by A.
Protein change: p.Gly355Arg; replaces glycine 355 with arginine.
Molecular consequence: missense variant.
Genome position (GRCh38, 1-based): chr4:1,355,132, G>A. VCF-style: chr4-1355132-G-A. GRCh37 (hg19) VCF-style: chr4-1348920-G-A.
Other names: c.1063G>A, p.Gly355Arg (NM_001317934.2, NM_001317935.2); short protein forms G355R.
Identifiers: ClinVar variation 784035 (VCV000784035.29), dbSNP rs116741007, ClinGen allele CA2805940.

ClinVar aggregate classification (germline): Likely benign. Review status: criteria provided, multiple submitters, no conflicts (2 of 4 stars). 3 submissions from 3 submitters: Likely benign (3). Last evaluated 2023-03-01.

Allele frequency attached by ClinVar (database versions not stated): 1000 Genomes Project 0.00399; 1000 Genomes Project 30x 0.00406; ExAC 0.00431; gnomAD exomes 0.00465 and 0.00756; gnomAD 0.00475 and 0.00478; TOPMed 0.00502; ESP Exome Variant Server 0.00600.
gnomAD v4.1: 11,758 of 1,613,738 alleles (0.73%); highest among the groups gnomAD compares: Middle Eastern, 1.4%; 68 homozygotes.

Submissions (3):

CeGaT Center for Human Genetics Tuebingen
Classification: Likely benign. Last evaluated: 2023-03-01. Review status: criteria provided, single submitter. Criteria: CeGaT Center For Human Genetics Tuebingen Variant Classification Criteria Version 2. Collection method: clinical testing. Allele origin: germline. Affected: yes. Observed: 1 variant allele.
Comment: UVSSA: BP4, BS2

Labcorp Genetics (formerly Invitae), Labcorp
Classification: Likely benign. Last evaluated: 2019-12-31. Review status: criteria provided, single submitter. Criteria: Invitae Variant Classification Sherloc (09022015). Collection method: clinical testing. Allele origin: germline.

Breakthrough Genomics
Classification: Likely benign. Review status: criteria provided, single submitter. Criteria: ACMG Guidelines, 2015. Collection method: not provided. Allele origin: germline. Inheritance: Autosomal recessive inheritance. Affected: yes.